The following is an entry in ClinVar:

NM_005084.4(PLA2G7):c.1226_1229del (p.Ile409fs)

Gene: PLA2G7 (phospholipase A2 group VII; minus strand). Cytogenetic location: 6p12.3.
Variant type: Microsatellite.
Coding change: c.1226_1229del on transcript NM_005084.4 (MANE Select); coding-DNA positions 1226 to 1229, 4 bases deleted (TTGA; older notation c.1226_1229delTTGA).
Protein change: p.Ile409fs; shifts the reading frame from isoleucine 409.
Molecular consequence: frameshift variant.
Genome position (GRCh38, 1-based): chr6:46,704,657-46,704,660, TCAA deleted on the plus strand (TTGA on the coding strand, the reverse complement: PLA2G7 is on the minus strand); deleting any 4 consecutive bases within chr6:46,704,657-46,704,664 gives the same sequence; the c. name uses the placement nearest the transcript's 3' end. VCF-style (leftmost placement, unchanged base first): chr6-46704656-TTCAA-T. GRCh37 (hg19) VCF-style: chr6-46672393-TTCAA-T.
Other names: c.1226_1229del, p.Ile409fs (NM_001168357.2); short protein forms I409fs.
Identifiers: ClinVar variation 5007069 (VCV005007069.2).

ClinVar aggregate classification (germline): Uncertain significance (1 of 4 stars; one submission).

Conditions:
Platelet-activating factor acetylhydrolase deficiency (PAFAD). Identifiers: MedGen C3280315, MONDO:0013663, OMIM 614278, HP:0040175.

Submission:

Juno Genomics, Hangzhou Juno Genomics, Inc
Classification: Uncertain significance for Platelet-activating factor acetylhydrolase deficiency. Review status: criteria provided, single submitter. Criteria: ACMG Guidelines, 2015. Collection method: clinical testing. Allele origin: germline.
Comment: Null variant in a gene where loss of function (LOF) is a known mechanism of disease.;Absent from controls (or at extremely low frequency if recessive) in Genome Aggregation Database.